The following is an entry in ClinVar:

ClinVar aggregate classification (germline): not provided (0 of 4 stars; one submission).

Conditions:
Gestational diabetes mellitus uncontrolled. Identifiers: MedGen C3532257.

Submission:

Institute of Molecular and Cell Biology, University of Tartu
No classification provided. Condition: Gestational diabetes mellitus uncontrolled. Review status: no classification provided. Collection method: case-control. Allele origin: unknown. Affected: yes. Study: Kasak2014.
Comment: The study aimed to determine the contribution of copy number variants in the genetic etiology of normal and complicated pregnancies. The samples represented (i) maternal blood DNA drawn from healthy pregnant women during 1st or 2nd trimester and (ii) maternal and paternal blood DNA drawn at term pregnancy cases representing normal and complicated gestations (severe preeclampsia, PE; gestational diabetes, GD; small-for-gestational age newborn, SGA; large-for-gestational age newborn, LGA). We performed CNV calling based on genome-wide genotyping dataset (Illumina HumanOmniExpress-24-v1 BeadChip) by applying three algorithms, QuantiSNP, GADA (Genome Alteration Detection Algorithm) and CNstream in parallel. The acquired CNV calls were merged with HD-CNV (Hotspot Detector for Copy Number Variants) program and only the CNVs predicted by at least two programs, were considered in subsequent analysis.

Literature cited by the submitters: PubMed 25666259.

CM000673.1:g.107653081_107683596dup

Gene: SLC35F2 (solute carrier family 35 member F2; minus strand). Cytogenetic location: 11q22.3.
Variant type: Duplication.
Identifiers: ClinVar variation 157225 (VCV000157225.2).